The following is an entry in ClinVar:

ClinVar aggregate classification (germline): Uncertain significance (1 of 4 stars; one submission).

Conditions:
Combined oxidative phosphorylation defect type 27. Also called: Combined oxidative phosphorylation deficiency 27. Identifiers: Orphanet 477774, MedGen C5567608, MONDO:0014728, OMIM 616672.

gnomAD v4.1: 1 of 1,609,530 alleles (0.000062%); highest among the groups gnomAD compares: Non-Finnish European, 0.000085%; no homozygotes.

Submission:

Labcorp Genetics (formerly Invitae), Labcorp
Classification: Uncertain significance for Combined oxidative phosphorylation defect type 27. Last evaluated: 2025-08-21. Review status: criteria provided, single submitter. Criteria: Invitae Variant Classification Sherloc (09022015). Collection method: clinical testing. Allele origin: germline.
Comment: This sequence change replaces arginine, which is basic and polar, with proline, which is neutral and non-polar, at codon 492 of the CARS2 protein (p.Arg492Pro). This variant is not present in population databases (gnomAD no frequency). This variant has not been reported in the literature in individuals affected with CARS2-related conditions. ClinVar contains an entry for this variant (Variation ID: 2010154). Invitae Evidence Modeling of protein sequence and biophysical properties (such as structural, functional, and spatial information, amino acid conservation, physicochemical variation, residue mobility, and thermodynamic stability) indicates that this missense variant is not expected to disrupt CARS2 protein function with a negative predictive value of 80%. In summary, the available evidence is currently insufficient to determine the role of this variant in disease. Therefore, it has been classified as a Variant of Uncertain Significance.

NM_024537.4(CARS2):c.1475G>C (p.Arg492Pro)

Gene: CARS2 (cysteinyl-tRNA synthetase 2, mitochondrial; minus strand). Cytogenetic location: 13q34.
Variant type: single nucleotide variant.
Coding change: c.1475G>C on transcript NM_024537.4 (MANE Select); coding-DNA position 1475, G replaced by C.
Protein change: p.Arg492Pro; replaces arginine 492 with proline.
Molecular consequence: missense variant. On other transcripts: non-coding transcript variant (2).
Genome position (GRCh38, 1-based): chr13:110,642,463, C>G on the plus strand (G>C on the coding strand, the complement: CARS2 is on the minus strand). VCF-style: chr13-110642463-C-G. GRCh37 (hg19) VCF-style: chr13-111294810-C-G.
Other names: c.689G>C, p.Arg230Pro (NM_001352252.2); short protein forms R492P, R230P.
Identifiers: ClinVar variation 2010154 (VCV002010154.4), dbSNP rs564455691, ClinGen allele CA388740483.